The following is an entry in ClinVar:

ClinVar aggregate classification (germline): Likely benign. Review status: criteria provided, multiple submitters, no conflicts (2 of 4 stars). 3 submissions from 3 submitters: Likely benign (3). Last evaluated 2025-11-23.

Conditions:
Familial cancer of breast. Also called: BREAST CANCER, FAMILIAL; hereditary breast carcinoma; Hereditary breast cancer. Identifiers: Orphanet 227535, MedGen C0346153, MONDO:0016419, OMIM 114480. Disease mechanism: loss of function.
Fanconi anemia complementation group J. Also called: BRIP1-Related Fanconi Anemia. Identifiers: Orphanet 84, MedGen C1836860, MONDO:0012187, OMIM 609054.
Hereditary cancer-predisposing syndrome. Also called: Neoplastic Syndromes, Hereditary; Hereditary neoplastic syndrome; Tumor predisposition; Hereditary Cancer Syndrome. Identifiers: Orphanet 140162, MedGen C0027672, MeSH D009386, MONDO:0015356.

Allele frequency attached by ClinVar (database versions not stated): gnomAD exomes below 0.00001 and 0.00002; ExAC 0.00001; gnomAD 0.00001 and 0.00002; TOPMed 0.00002; 1000 Genomes Project 30x 0.00016; 1000 Genomes Project 0.00020.

Submissions (3):

Labcorp Genetics (formerly Invitae), Labcorp
Classification: Likely benign for Familial cancer of breast; Fanconi anemia complementation group J. Last evaluated: 2025-11-23. Review status: criteria provided, single submitter. Criteria: Invitae Variant Classification Sherloc (09022015). Collection method: clinical testing. Allele origin: germline.

GeneDx
Classification: Likely benign. Last evaluated: 2016-12-05. Review status: criteria provided, single submitter. Criteria: GeneDx Variant Classification (06012015). Collection method: clinical testing. Allele origin: germline. Affected: yes.
Comment: This variant is considered likely benign or benign based on one or more of the following criteria: it is a conservative change, it occurs at a poorly conserved position in the protein, it is predicted to be benign by multiple in silico algorithms, and/or has population frequency not consistent with disease.

Color Diagnostics, LLC DBA Color Health
Classification: Likely benign for Hereditary cancer-predisposing syndrome. Last evaluated: 2016-04-18. Review status: criteria provided, single submitter. Criteria: ACMG Guidelines, 2015. Collection method: clinical testing. Allele origin: germline.

NM_032043.3(BRIP1):c.1628+20A>G

Gene: BRIP1 (BRCA1 interacting DNA helicase 1; minus strand). Cytogenetic location: 17q23.2.
Variant type: single nucleotide variant.
Coding change: c.1628+20A>G on transcript NM_032043.3 (MANE Select); 20 bases into the intron after coding-DNA position 1628, A replaced by G.
Molecular consequence: intron variant.
Genome position (GRCh38, 1-based): chr17:61,784,250, T>C on the plus strand (A>G on the coding strand, the complement: BRIP1 is on the minus strand). VCF-style: chr17-61784250-T-C. GRCh37 (hg19) VCF-style: chr17-59861611-T-C.
Identifiers: ClinVar variation 391351 (VCV000391351.13), dbSNP rs200292462, ClinGen allele CA8690709.